The following is an entry in ClinVar:

ClinVar aggregate classification (germline): Uncertain significance (1 of 4 stars; one submission).

gnomAD v4.1: 4 of 1,614,186 alleles (0.00025%); highest among the groups gnomAD compares: Non-Finnish European, 0.00034%; no homozygotes.

Submission:

Labcorp Genetics (formerly Invitae), Labcorp
Classification: Uncertain significance. Last evaluated: 2021-09-01. Review status: criteria provided, single submitter. Criteria: Invitae Variant Classification Sherloc (09022015). Collection method: clinical testing. Allele origin: germline.
Comment: This sequence change replaces aspartic acid with asparagine at codon 2065 of the ABCA4 protein (p.Asp2065Asn). The aspartic acid residue is highly conserved and there is a small physicochemical difference between aspartic acid and asparagine. This variant is not present in population databases (ExAC no frequency). This variant has not been reported in the literature in individuals affected with ABCA4-related conditions. Algorithms developed to predict the effect of missense changes on protein structure and function are either unavailable or do not agree on the potential impact of this missense change (SIFT: "Deleterious"; PolyPhen-2: "Benign"; Align-GVGD: "Class C15"). In summary, the available evidence is currently insufficient to determine the role of this variant in disease. Therefore, it has been classified as a Variant of Uncertain Significance.

NM_000350.3(ABCA4):c.6193G>A (p.Asp2065Asn)

Gene: ABCA4 (ATP binding cassette subfamily A member 4; minus strand). Cytogenetic location: 1p22.1.
Variant type: single nucleotide variant.
Coding change: c.6193G>A on transcript NM_000350.3 (MANE Select); coding-DNA position 6193, G replaced by A.
Protein change: p.Asp2065Asn; replaces aspartic acid 2065 with asparagine.
Molecular consequence: missense variant.
Genome position (GRCh38, 1-based): chr1:94,001,947, C>T on the plus strand (G>A on the coding strand, the complement: ABCA4 is on the minus strand). VCF-style: chr1-94001947-C-T. GRCh37 (hg19) VCF-style: chr1-94467503-C-T.
Other names: c.5971G>A, p.Asp1991Asn (NM_001425324.1); short protein forms D2065N, D1991N.
Identifiers: ClinVar variation 1020258 (VCV001020258.6), dbSNP rs886043588, ClinGen allele CA341278308.